The following is an entry in ClinVar:

ClinVar aggregate classification (germline): Uncertain significance (1 of 4 stars; one submission).

Submission:

CeGaT Center for Human Genetics Tuebingen
Classification: Uncertain significance. Last evaluated: 2025-11-01. Review status: criteria provided, single submitter. Criteria: CeGaT Center For Human Genetics Tuebingen Variant Classification Criteria Version 2. Collection method: clinical testing. Allele origin: germline. Affected: yes. Observed: 1 variant allele.
Comment: AKAP12: PM4:Supporting

NM_005100.4(AKAP12):c.296AAG[2] (p.Glu101del)

Gene: AKAP12 (A-kinase anchoring protein 12; plus strand). Cytogenetic location: 6q25.1.
Variant type: Microsatellite.
Coding change: c.296AAG[2] on transcript NM_005100.4 (MANE Select); two copies in a row of the 3-base unit AAG starting at c.296; the reference has three copies in a row; one copy, 3 bases deleted.
Protein change: p.Glu101del; deletes glutamic acid 101.
Molecular consequence: inframe deletion.
Genome position (GRCh38, 1-based): chr6:151,305,886-151,305,888, AAG deleted; deleting any 3 consecutive bases within chr6:151,305,879-151,305,888 gives the same sequence; the position shown is the placement nearest the transcript's 3' end. VCF-style (leftmost placement, unchanged base first): chr6-151305878-GGAA-G. GRCh37 (hg19) VCF-style: chr6-151627013-GGAA-G.
Other names: short protein forms E101del.
Identifiers: ClinVar variation 4533409 (VCV004533409.6).